The following is an entry in ClinVar:

NM_016628.5(WAC):c.1294C>A (p.Pro432Thr)

Gene: WAC (WW domain containing adaptor with coiled-coil; plus strand). Cytogenetic location: 10p12.1.
Variant type: single nucleotide variant.
Coding change: c.1294C>A on transcript NM_016628.5 (MANE Select); coding-DNA position 1294, C replaced by A.
Protein change: p.Pro432Thr; replaces proline 432 with threonine.
Molecular consequence: missense variant.
Genome position (GRCh38, 1-based): chr10:28,611,779, C>A. VCF-style: chr10-28611779-C-A. GRCh37 (hg19) VCF-style: chr10-28900708-C-A.
Other names: c.1159C>A, p.Pro387Thr (NM_100264.3); c.985C>A, p.Pro329Thr (NM_100486.4); short protein forms P329T, P387T, P432T.
Identifiers: ClinVar variation 4866455 (VCV004866455.1).

ClinVar aggregate classification (germline): Uncertain significance (1 of 4 stars; one submission).

Conditions:
Inborn genetic diseases. Identifiers: MedGen C0950123, MeSH D030342.

Submission:

Ambry Genetics
Classification: Uncertain significance for Inborn genetic diseases. Last evaluated: 2026-03-19. Review status: criteria provided, single submitter. Criteria: Ambry Variant Classification Scheme 2023. Collection method: clinical testing. Allele origin: germline.
Comment: The c.1294C>A (p.P432T) alteration is located in exon 1 (coding exon 1) of the WAC gene. This alteration results from a C to A substitution at nucleotide position 1294, causing the proline (P) at amino acid position 432 to be replaced by a threonine (T). Based on data from gnomAD, the A allele has an overall frequency of 0.003% (1/31400) total alleles studied. The highest observed frequency was 0.012% (1/8714) of African alleles. Based on insufficient or conflicting evidence, the clinical significance of this alteration remains unclear.